The following is an entry in ClinVar:

NM_003738.5(PTCH2):c.277G>A (p.Val93Met)

Gene: PTCH2 (patched 2; minus strand). Cytogenetic location: 1p34.1.
Variant type: single nucleotide variant.
Coding change: c.277G>A on transcript NM_003738.5 (MANE Select); coding-DNA position 277, G replaced by A.
Protein change: p.Val93Met; replaces valine 93 with methionine.
Molecular consequence: missense variant.
Genome position (GRCh38, 1-based): chr1:44,832,330, C>T on the plus strand (G>A on the coding strand, the complement: PTCH2 is on the minus strand). VCF-style: chr1-44832330-C-T. GRCh37 (hg19) VCF-style: chr1-45298002-C-T.
Other names: c.277G>A, p.Val93Met (NM_001166292.2); short protein forms V93M.
Identifiers: ClinVar variation 945719 (VCV000945719.11), dbSNP rs145784624, ClinGen allele CA823679.
Genomic context (GRCh38, chr1:44,832,330, plus strand): 5'-GAGAGGTGTATGCAGCCTCCTCCCCCAGCTTCTCCTTGGTGTAATGCAGCTCCTGGCTCA[C>T]CCGGCTGCCCACTGCCAGAGCAAACAGAGAAAGCTGGGGGGGAAAGGGCCTAGGCGGGTC-3'
Protein context (NP_003729.3, residues 83-103): EQLWVEVGSR[Val93Met]SQELHYTKEK

ClinVar aggregate classification (germline): Uncertain significance. Review status: criteria provided, multiple submitters, no conflicts (2 of 4 stars). 2 submissions from 2 submitters: Uncertain significance (2). Last evaluated 2026-01-27.

Conditions:
Gorlin syndrome. Also called: Nevoid Basal Cell Carcinoma Syndrome; Basal cell nevus syndrome. Identifiers: Orphanet 377, MedGen C0004779, MONDO:0007187.

Allele frequency attached by ClinVar (database versions not stated): gnomAD 0.00002; TOPMed 0.00002.
gnomAD v4.1: 29 of 1,614,022 alleles (0.0018%); highest among the groups gnomAD compares: Non-Finnish European, 0.0024%; no homozygotes.

Submissions (2):

Labcorp Genetics (formerly Invitae), Labcorp
Classification: Uncertain significance for Gorlin syndrome. Last evaluated: 2026-01-27. Review status: criteria provided, single submitter. Criteria: Invitae Variant Classification Sherloc (09022015). Collection method: clinical testing. Allele origin: germline.
Comment: This sequence change replaces valine, which is neutral and non-polar, with methionine, which is neutral and non-polar, at codon 93 of the PTCH2 protein (p.Val93Met). This variant is present in population databases (rs145784624, gnomAD 0.004%). This variant has not been reported in the literature in individuals affected with PTCH2-related conditions. ClinVar contains an entry for this variant (Variation ID: 945719). Invitae Evidence Modeling of protein sequence and biophysical properties (such as structural, functional, and spatial information, amino acid conservation, physicochemical variation, residue mobility, and thermodynamic stability) indicates that this missense variant is not expected to disrupt PTCH2 protein function with a negative predictive value of 80%. In summary, the available evidence is currently insufficient to determine the role of this variant in disease. Therefore, it has been classified as a Variant of Uncertain Significance.

Ambry Genetics
Classification: Uncertain significance. Last evaluated: 2025-08-10. Review status: criteria provided, single submitter. Criteria: Ambry Variant Classification Scheme 2023. Collection method: clinical testing. Allele origin: germline.